The following is an entry in ClinVar:

NM_194293.4(XIRP1):c.2894A>C (p.His965Pro)

Gene: XIRP1 (xin actin binding repeat containing 1; minus strand). Cytogenetic location: 3p22.2.
Variant type: single nucleotide variant.
Coding change: c.2894A>C on transcript NM_194293.4 (MANE Select); coding-DNA position 2894, A replaced by C.
Protein change: p.His965Pro; replaces histidine 965 with proline.
Molecular consequence: missense variant. On other transcripts: intron variant (1).
Genome position (GRCh38, 1-based): chr3:39,186,552, T>G on the plus strand (A>C on the coding strand, the complement: XIRP1 is on the minus strand). VCF-style: chr3-39186552-T-G. GRCh37 (hg19) VCF-style: chr3-39228043-T-G.
Other names: c.2894A>C, p.His965Pro (NM_001198621.4); c.-167-891A>C (NM_001351377.2); short protein forms H965P.
Identifiers: ClinVar variation 3057077 (VCV003057077.2), dbSNP rs11711871, ClinGen allele CA2326155.

ClinVar aggregate classification (germline): Benign (0 of 4 stars; one submission).

Conditions:
XIRP1-related disorder. Also called: XIRP1-related condition.

Allele frequency attached by ClinVar (database versions not stated): 1000 Genomes Project 30x 0.09978; 1000 Genomes Project 0.10144; TOPMed 0.13047; ESP Exome Variant Server 0.13809; gnomAD 0.14557; ExAC 0.16962.
gnomAD v4.1: 304,634 of 1,611,676 alleles (19%); highest among the groups gnomAD compares: Non-Finnish European, 21%; 30,965 homozygotes.

Submission:

PreventionGenetics, part of Exact Sciences
Classification: Benign for XIRP1-related condition. Last evaluated: 2019-11-20. Review status: no assertion criteria provided. Collection method: clinical testing. Allele origin: germline.
Comment: This variant is classified as benign based on ACMG/AMP sequence variant interpretation guidelines (Richards et al. 2015 PMID: 25741868, with internal and published modifications).